The following is an entry in ClinVar:

ClinVar aggregate classification (germline): Uncertain significance (1 of 4 stars; one submission).

Submission:

Labcorp Genetics (formerly Invitae), Labcorp
Classification: Uncertain significance. Last evaluated: 2022-04-25. Review status: criteria provided, single submitter. Criteria: Invitae Variant Classification Sherloc (09022015). Collection method: clinical testing. Allele origin: germline.
Comment: In summary, the available evidence is currently insufficient to determine the role of this variant in disease. Therefore, it has been classified as a Variant of Uncertain Significance. Algorithms developed to predict the effect of missense changes on protein structure and function are either unavailable or do not agree on the potential impact of this missense change (SIFT: "Deleterious"; PolyPhen-2: "Probably Damaging"; Align-GVGD: "Class C0"). This variant has not been reported in the literature in individuals affected with USH2A-related conditions. This variant is not present in population databases (gnomAD no frequency). This sequence change replaces alanine, which is neutral and non-polar, with threonine, which is neutral and polar, at codon 1345 of the USH2A protein (p.Ala1345Thr).

NM_206933.4(USH2A):c.4033G>A (p.Ala1345Thr)

Genes: USH2A (usherin; minus strand), USH2A-AS1 (USH2A antisense RNA 1; plus strand). Cytogenetic location: 1q41.
Variant type: single nucleotide variant.
Coding change: c.4033G>A on transcript NM_206933.4 (MANE Select); coding-DNA position 4033, G replaced by A.
Protein change: p.Ala1345Thr; replaces alanine 1345 with threonine.
Molecular consequence: missense variant.
Genome position (GRCh38, 1-based): chr1:216,198,363, C>T on the plus strand (G>A on the coding strand, the complement: USH2A is on the minus strand). VCF-style: chr1-216198363-C-T. GRCh37 (hg19) VCF-style: chr1-216371705-C-T.
Other names: c.4033G>A, p.Ala1345Thr (NM_007123.6); short protein forms A1345T.
Identifiers: ClinVar variation 2130632 (VCV002130632.4), dbSNP rs2034900559, ClinGen allele CA344866944.